The following is an entry in ClinVar:

NM_014003.4(DHX38):c.2446G>A (p.Gly816Ser)

Gene: DHX38 (DEAH-box helicase 38; plus strand). Cytogenetic location: 16q22.2.
Variant type: single nucleotide variant.
Coding change: c.2446G>A on transcript NM_014003.4 (MANE Select); coding-DNA position 2446, G replaced by A.
Protein change: p.Gly816Ser; replaces glycine 816 with serine.
Molecular consequence: missense variant.
Genome position (GRCh38, 1-based): chr16:72,105,583, G>A. VCF-style: chr16-72105583-G-A. GRCh37 (hg19) VCF-style: chr16-72139482-G-A.
Other names: short protein forms G816S.
Identifiers: ClinVar variation 3013097 (VCV003013097.3), dbSNP rs773525208, ClinGen allele CA8160656.

ClinVar aggregate classification (germline): Uncertain significance (1 of 4 stars; one submission).

Allele frequency attached by ClinVar (database versions not stated): TOPMed below 0.00001; gnomAD 0.00001; gnomAD exomes 0.00001; ExAC 0.00002.
gnomAD v4.1: 22 of 1,614,064 alleles (0.0014%); highest among the groups gnomAD compares: Admixed American, 0.0033%; no homozygotes.

Submission:

Labcorp Genetics (formerly Invitae), Labcorp
Classification: Uncertain significance. Last evaluated: 2023-09-07. Review status: criteria provided, single submitter. Criteria: Invitae Variant Classification Sherloc (09022015). Collection method: clinical testing. Allele origin: germline.
Comment: This sequence change replaces glycine, which is neutral and non-polar, with serine, which is neutral and polar, at codon 816 of the DHX38 protein (p.Gly816Ser). This variant is present in population databases (rs773525208, gnomAD 0.006%). This variant has not been reported in the literature in individuals affected with DHX38-related conditions. Advanced modeling of protein sequence and biophysical properties (such as structural, functional, and spatial information, amino acid conservation, physicochemical variation, residue mobility, and thermodynamic stability) performed at Invitae indicates that this missense variant is expected to disrupt DHX38 protein function. In summary, the available evidence is currently insufficient to determine the role of this variant in disease. Therefore, it has been classified as a Variant of Uncertain Significance.